The following is an entry in ClinVar:

ClinVar aggregate classification (germline): Uncertain significance (1 of 4 stars; one submission).

Conditions:
Von Hippel-Lindau syndrome (VHLS). Also called: Von Hippel-Lindau; von Hippel–Lindau syndrome; VHL syndrome. Identifiers: Orphanet 892, MedGen C0019562, MONDO:0008667, OMIM 193300. Disease mechanism: loss of function.
Chuvash polycythemia. Also called: POLYCYTHEMIA, VHL-DEPENDENT. Identifiers: Orphanet 238557, MedGen C1837915, MONDO:0009892, OMIM 263400.

gnomAD v4.1: 1 of 1,614,144 alleles (0.000062%); highest among the groups gnomAD compares: Non-Finnish European, 0.000085%; no homozygotes.

Submission:

Labcorp Genetics (formerly Invitae), Labcorp
Classification: Uncertain significance for Von Hippel-Lindau syndrome; Chuvash polycythemia. Last evaluated: 2020-07-31. Review status: criteria provided, single submitter. Criteria: Invitae Variant Classification Sherloc (09022015). Collection method: clinical testing. Allele origin: germline.
Comment: In summary, the available evidence is currently insufficient to determine the role of this variant in disease. Therefore, it has been classified as a Variant of Uncertain Significance. Advanced modeling of protein sequence and biophysical properties (such as structural, functional, and spatial information, amino acid conservation, physicochemical variation, residue mobility, and thermodynamic stability) performed at Invitae indicates that this missense variant is expected to disrupt VHL protein function. This variant has not been reported in the literature in individuals with VHL-related conditions. This variant is present in population databases (rs766088261, ExAC 0.002%). This sequence change replaces arginine with serine at codon 177 of the VHL protein (p.Arg177Ser). The arginine residue is moderately conserved and there is a moderate physicochemical difference between arginine and serine.

NM_000551.4(VHL):c.531A>T (p.Arg177Ser)

Genes: VHL (von Hippel-Lindau tumor suppressor; plus strand), LOC107303340 (3p25 von Hippel-Lindau tumor suppressor, E3 ubiquitin protein ligase Alu-mediated recombination region; plus strand). Cytogenetic location: 3p25.3.
Variant type: single nucleotide variant.
Coding change: c.531A>T on transcript NM_000551.4 (MANE Select); coding-DNA position 531, A replaced by T.
Protein change: p.Arg177Ser; replaces arginine 177 with serine.
Molecular consequence: missense variant. On other transcripts: 3 prime UTR variant (1).
Genome position (GRCh38, 1-based): chr3:10,149,854, A>T. VCF-style: chr3-10149854-A-T. GRCh37 (hg19) VCF-style: chr3-10191538-A-T.
Other names: c.*85A>T (NM_001354723.2); c.408A>T, p.Arg136Ser (NM_198156.3); short protein forms R136S, R177S.
Identifiers: ClinVar variation 1020887 (VCV001020887.9), dbSNP rs766088261, ClinGen allele CA041420.